The following is an entry in ClinVar:

NM_000400.4(ERCC2):c.5+2T>C

Gene: ERCC2 (ERCC excision repair 2, TFIIH core complex helicase subunit; minus strand). Cytogenetic location: 19q13.32.
Variant type: single nucleotide variant.
Coding change: c.5+2T>C on transcript NM_000400.4 (MANE Select); the canonical splice donor site of the intron after coding-DNA position 5, T replaced by C.
Molecular consequence: splice donor variant. On other transcripts: 5 prime UTR variant (1).
Genome position (GRCh38, 1-based): chr19:45,370,534, A>G on the plus strand (T>C on the coding strand, the complement: ERCC2 is on the minus strand). VCF-style: chr19-45370534-A-G. GRCh37 (hg19) VCF-style: chr19-45873792-A-G.
Other names: c.-369T>C (NM_001130867.2).
Identifiers: ClinVar variation 2886977 (VCV002886977.3), dbSNP rs1599753508, ClinGen allele CA406380462.

ClinVar aggregate classification (germline): Likely pathogenic (1 of 4 stars; one submission).

Allele frequency attached by ClinVar (database versions not stated): gnomAD exomes below 0.00001.
gnomAD v4.1: 1 of 1,573,704 alleles (0.000064%); highest among the groups gnomAD compares: Non-Finnish European, 0.000086%; no homozygotes.

Submission:

Labcorp Genetics (formerly Invitae), Labcorp
Classification: Likely pathogenic. Last evaluated: 2023-06-04. Review status: criteria provided, single submitter. Criteria: Invitae Variant Classification Sherloc (09022015). Collection method: clinical testing. Allele origin: germline.
Comment: In summary, the currently available evidence indicates that the variant is pathogenic, but additional data are needed to prove that conclusively. Therefore, this variant has been classified as Likely Pathogenic. Algorithms developed to predict the effect of sequence changes on RNA splicing suggest that this variant may disrupt the consensus splice site. This variant has not been reported in the literature in individuals affected with ERCC2-related conditions. This variant is not present in population databases (gnomAD no frequency). This sequence change affects a donor splice site in intron 1 of the ERCC2 gene. It is expected to disrupt RNA splicing. Variants that disrupt the donor or acceptor splice site typically lead to a loss of protein function (PMID: 16199547), and loss-of-function variants in ERCC2 are known to be pathogenic (PMID: 9238033, 11335038, 19085937, 19934020).

Literature cited by the submitters: PubMed 16199547; PubMed 9238033; PubMed 11335038; PubMed 19085937; PubMed 19934020.